The following is an entry in ClinVar:

NM_002608.4(PDGFB):c.63+424G>A

Gene: PDGFB (platelet derived growth factor subunit B; minus strand). Cytogenetic location: 22q13.1.
Variant type: single nucleotide variant.
Coding change: c.63+424G>A on transcript NM_002608.4 (MANE Select); 424 bases into the intron after coding-DNA position 63, G replaced by A.
Molecular consequence: intron variant.
Genome position (GRCh38, 1-based): chr22:39,243,477, C>T on the plus strand (G>A on the coding strand, the complement: PDGFB is on the minus strand). VCF-style: chr22-39243477-C-T. GRCh37 (hg19) VCF-style: chr22-39639482-C-T.
Identifiers: ClinVar variation 2653145 (VCV002653145.23), dbSNP rs73165211, ClinGen allele CA324369000.
Genomic context (GRCh38, chr22:39,243,477, plus strand): 5'-GGGTGGGACCCGAGCCCCGTCAAAGGTCGGCGTGGATGGCACCGGTGCGCAAGCTTGCAC[C>T]TCCTGGGCAAGCCGATGGCAGGACAGAGCCTAAGCCGAGGCTGGCGCCGAAGTGGGCTCG-3'

ClinVar aggregate classification (germline): Benign (1 of 4 stars; one submission).

Allele frequency attached by ClinVar (database versions not stated): 1000 Genomes Project 0.00100; 1000 Genomes Project 30x 0.00172; TOPMed 0.00496; gnomAD 0.00604.
gnomAD v4.1: 913 of 152,298 alleles (0.6%); highest among the groups gnomAD compares: Non-Finnish European, 1%; 5 homozygotes.

Submission:

CeGaT Center for Human Genetics Tuebingen
Classification: Benign. Last evaluated: 2026-08-01. Review status: criteria provided, single submitter. Criteria: CeGaT Center For Human Genetics Tuebingen Variant Classification Criteria Version 2. Collection method: clinical testing. Allele origin: germline. Affected: yes. Observed: 10 variant alleles.
Comment: PDGFB: BS1, BS2